The following is an entry in ClinVar:

NM_003051.4(SLC16A1):c.250G>A (p.Gly84Arg)

Gene: SLC16A1 (solute carrier family 16 member 1; minus strand). Cytogenetic location: 1p13.2.
Variant type: single nucleotide variant.
Coding change: c.250G>A on transcript NM_003051.4 (MANE Select); coding-DNA position 250, G replaced by A.
Protein change: p.Gly84Arg; replaces glycine 84 with arginine.
Molecular consequence: missense variant.
Genome position (GRCh38, 1-based): chr1:112,922,101, C>T on the plus strand (G>A on the coding strand, the complement: SLC16A1 is on the minus strand). VCF-style: chr1-112922101-C-T. GRCh37 (hg19) VCF-style: chr1-113464723-C-T.
Other names: c.250G>A, p.Gly84Arg (NM_001166496.2); short protein forms G84R.
Identifiers: ClinVar variation 2768471 (VCV002768471.3), dbSNP rs1648757998, ClinGen allele CA341824901.
Genomic context (GRCh38, chr1:112,922,101, plus strand): 5'-AAGCTGCAATCAAGCCACAGCCTGACAAGCAGCCACCAACAATCATGACTATACGACTTC[C>T]ATATTTATTCACCAGGATACTGCTGATAGGACCTAAAAGACAACCAAAAATGTAGTAATA-3'
Protein context (NP_003042.3, residues 74-94): PISSILVNKY[Gly84Arg]SRIVMIVGGC

ClinVar aggregate classification (germline): Uncertain significance (1 of 4 stars; one submission).

Allele frequency attached by ClinVar (database versions not stated): TOPMed below 0.00001.

Submission:

Labcorp Genetics (formerly Invitae), Labcorp
Classification: Uncertain significance. Last evaluated: 2023-10-14. Review status: criteria provided, single submitter. Criteria: Invitae Variant Classification Sherloc (09022015). Collection method: clinical testing. Allele origin: germline.
Comment: This sequence change replaces glycine, which is neutral and non-polar, with arginine, which is basic and polar, at codon 84 of the SLC16A1 protein (p.Gly84Arg). This variant is not present in population databases (gnomAD no frequency). This variant has not been reported in the literature in individuals affected with SLC16A1-related conditions. An algorithm developed to predict the effect of missense changes on protein structure and function (PolyPhen-2) suggests that this variant is likely to be disruptive. In summary, the available evidence is currently insufficient to determine the role of this variant in disease. Therefore, it has been classified as a Variant of Uncertain Significance.